The following is an entry in ClinVar:

ClinVar aggregate classification (germline): Benign (1 of 4 stars; one submission).

Conditions:
Tuberous sclerosis 2 (TSC2). Identifiers: Orphanet 805, MedGen C1860707, MONDO:0013199, OMIM 613254.

Submission:

Myriad Genetics, Inc.
Classification: Benign for Tuberous sclerosis 2. Last evaluated: 2025-05-19. Review status: criteria provided, single submitter. Criteria: Myriad Autosomal Dominant, Autosomal Recessive and X-Linked Classification Criteria (2023). Collection method: clinical testing. Allele origin: unknown.
Comment: This variant is considered benign. This variant is a silent/synonymous amino acid change and it is not expected to impact splicing.

NM_000548.5(TSC2):c.2199G>T (p.Leu733=)

Gene: TSC2 (TSC complex subunit 2; plus strand). Cytogenetic location: 16p13.3.
Variant type: single nucleotide variant.
Coding change: c.2199G>T on transcript NM_000548.5 (MANE Select); coding-DNA position 2199, G replaced by T.
Protein change: p.Leu733=; no amino-acid change (leucine 733 retained).
Molecular consequence: synonymous variant. On other transcripts: non-coding transcript variant (5).
Genome position (GRCh38, 1-based): chr16:2,072,342, G>T. VCF-style: chr16-2072342-G-T. GRCh37 (hg19) VCF-style: chr16-2122343-G-T.
Other names: c.2199G>T, p.Leu733= (NM_001077183.3, NM_001114382.3, NM_001363528.2 and 6 more transcripts); c.2088G>T, p.Leu696= (NM_001318827.2, NM_001406670.1, NM_001406678.1); c.2052G>T, p.Leu684= (NM_001318829.2, NM_001406675.1, NM_001406676.1 and 1 more transcripts); c.1599G>T, p.Leu533= (NM_001318831.2, NM_001406680.1, NM_001406682.1 and 6 more transcripts); c.2232G>T, p.Leu744= (NM_001318832.2); c.2289G>T, p.Leu763= (NM_001406667.1, NM_001406668.1); c.2187G>T, p.Leu729= (NM_001406671.1, NM_001406673.1); c.2142G>T, p.Leu714= (NM_001406677.1); and 3 more.
Identifiers: ClinVar variation 4071238 (VCV004071238.1).
Genomic context (GRCh38, chr16:2,072,342, plus strand): 5'-GCCTGAGTCCCTGCGCTATAAAGTGCTCATCTTTACTTCCCCTTGCAGTGTGGACCAGCT[G>T]TGCTCTGCTCTCTGCTCCATGGTACCATGGCCGGCCTGGGGTTGGGGTGGGGGACCCAGT-3'
Protein context (NP_000539.2, residues 723-743): IFTSPCSVDQ[Leu733=]CSALCSMLSG